The following is an entry in ClinVar:

NM_001291303.3(FAT4):c.6515A>C (p.Asp2172Ala)

Gene: FAT4 (FAT atypical cadherin 4; plus strand). Cytogenetic location: 4q28.1.
Variant type: single nucleotide variant.
Coding change: c.6515A>C on transcript NM_001291303.3 (MANE Select); coding-DNA position 6515, A replaced by C.
Protein change: p.Asp2172Ala; replaces aspartic acid 2172 with alanine.
Molecular consequence: missense variant.
Genome position (GRCh38, 1-based): chr4:125,415,478, A>C. VCF-style: chr4-125415478-A-C. GRCh37 (hg19) VCF-style: chr4-126336633-A-C.
Other names: c.6515A>C, p.Asp2172Ala (NM_001291285.3, NM_024582.6); short protein forms D2172A.
Identifiers: ClinVar variation 1031383 (VCV001031383.1), dbSNP rs1328569048, ClinGen allele CA358129850.
Genomic context (GRCh38, chr4:125,415,478, plus strand): 5'-CCATCTTTGCACAAGCTTTGTATAAAGTGGAGATTAATGAAAACACACTTACTGGAACAG[A>C]TATAATACAAGTGTTCGCAGCAGATGGAGATGAAGGCACAAATGGACAGGTTCGCTATGG-3'
Protein context (NP_001278232.1, residues 2162-2182): EINENTLTGT[Asp2172Ala]IIQVFAADGD

ClinVar aggregate classification (germline): Uncertain significance (1 of 4 stars; one submission).

Conditions:
Hennekam lymphangiectasia-lymphedema syndrome 2 (HKLLS2). Identifiers: Orphanet 2136, MedGen C4014939, MONDO:0014454, OMIM 616006.

Submission:

Baylor Genetics
Classification: Uncertain significance for Hennekam lymphangiectasia-lymphedema syndrome 2. Last evaluated: 2018-08-14. Review status: criteria provided, single submitter. Criteria: ACMG Guidelines, 2015. Collection method: clinical testing. Allele origin: maternal. Affected: yes.
Comment: This variant was determined to be of uncertain significance according to ACMG Guidelines, 2015 [PMID:25741868].